The following is an entry in ClinVar:

ClinVar aggregate classification (germline): Pathogenic (1 of 4 stars; one submission).

Submission:

Labcorp Genetics (formerly Invitae), Labcorp
Classification: Pathogenic. Last evaluated: 2023-12-13. Review status: criteria provided, single submitter. Criteria: Invitae Variant Classification Sherloc (09022015). Collection method: clinical testing. Allele origin: germline.
Comment: This sequence change creates a premature translational stop signal (p.Gly305Alafs*9) in the RARS2 gene. It is expected to result in an absent or disrupted protein product. Loss-of-function variants in RARS2 are known to be pathogenic (PMID: 17847012, 22569581, 26083569). This variant is not present in population databases (gnomAD no frequency). This variant has not been reported in the literature in individuals affected with RARS2-related conditions. Algorithms developed to predict the effect of sequence changes on RNA splicing suggest that this variant may disrupt the consensus splice site. For these reasons, this variant has been classified as Pathogenic.

Literature cited by the submitters: PubMed 17847012; PubMed 22569581; PubMed 26083569.

NM_020320.5(RARS2):c.914del (p.Gly305fs)

Gene: RARS2 (arginyl-tRNA synthetase 2, mitochondrial; minus strand). Cytogenetic location: 6q15.
Variant type: Deletion.
Coding change: c.914del on transcript NM_020320.5 (MANE Select); coding-DNA position 914, one base deleted (G; older notation c.914delG).
Protein change: p.Gly305fs; shifts the reading frame from glycine 305.
Molecular consequence: frameshift variant. On other transcripts: non-coding transcript variant (23).
Genome position (GRCh38, 1-based): chr6:87,524,617, C deleted on the plus strand (G on the coding strand, the reverse complement: RARS2 is on the minus strand); the first of 2 consecutive C bases (chr6:87,524,617-87,524,618); deleting either gives the same sequence. VCF-style (leftmost placement, unchanged base first): chr6-87524616-GC-G. GRCh37 (hg19) VCF-style: chr6-88234334-GC-G.
Other names: c.389del, p.Gly130fs (NM_001318785.2, NM_001350506.2, NM_001350507.2 and 4 more transcripts); c.914del, p.Gly305fs (NM_001350505.2); short protein forms G130fs, G305fs.
Identifiers: ClinVar variation 2702867 (VCV002702867.3), dbSNP rs2483367033, ClinGen allele CA2697553605.